The following is an entry in ClinVar:

ClinVar aggregate classification (germline): Conflicting classifications of pathogenicity. Review status: criteria provided, conflicting classifications (1 of 4 stars). 4 submissions from 4 submitters: Uncertain significance (2); Likely benign (1). 1 of the submissions does not count toward it. Last evaluated 2025-03-01.

Conditions:
Cryptorchidism. Also called: undescended testicle; Undescended testes. Identifiers: MedGen C0010417, MONDO:0009047, OMIM 219050, HP:0000028.

Allele frequency attached by ClinVar (database versions not stated): gnomAD 0.00022 and 0.00031; TOPMed 0.00027; 1000 Genomes Project 30x 0.00031; 1000 Genomes Project 0.00040; gnomAD exomes 0.00051 and 0.00069; ExAC 0.00080.
gnomAD v4.1: 792 of 1,614,046 alleles (0.049%); highest among the groups gnomAD compares: South Asian, 0.35%; 6 homozygotes.

Submissions (4):

CeGaT Center for Human Genetics Tuebingen
Classification: Likely benign. Last evaluated: 2025-03-01. Review status: criteria provided, single submitter. Criteria: CeGaT Center For Human Genetics Tuebingen Variant Classification Criteria Version 2. Collection method: clinical testing. Allele origin: germline. Affected: yes. Observed: 1 variant allele.
Comment: INSL3: BP4, BS2

Mendelics
Classification: Uncertain significance. Last evaluated: 2022-05-04. Review status: criteria provided, single submitter. Criteria: Mendelics Assertion Criteria 2019. Collection method: clinical testing. Allele origin: germline.

Fulgent Genetics
Classification: Uncertain significance for Cryptorchidism. Last evaluated: 2021-09-20. Review status: criteria provided, single submitter. Criteria: ACMG Guidelines, 2015. Collection method: clinical testing. Allele origin: unknown.

OMIM
Classification: Pathogenic for CRYPTORCHIDISM. Last evaluated: 2003-09-01. Review status: no assertion criteria provided. Collection method: literature only. Allele origin: germline. Not counted in ClinVar's aggregate classification.

Literature cited by the submitters: PubMed 12970298 (cited by OMIM).

NM_005543.4(INSL3):c.305G>A (p.Arg102His)

Gene: INSL3 (insulin like 3; minus strand). Cytogenetic location: 19p13.11.
Variant type: single nucleotide variant.
Coding change: c.305G>A on transcript NM_005543.4 (MANE Select); coding-DNA position 305, G replaced by A.
Protein change: p.Arg102His; replaces arginine 102 with histidine.
Molecular consequence: missense variant.
Genome position (GRCh38, 1-based): chr19:17,816,945, C>T on the plus strand (G>A on the coding strand, the complement: INSL3 is on the minus strand). VCF-style: chr19-17816945-C-T. GRCh37 (hg19) VCF-style: chr19-17927754-C-T.
Other names: c.400G>A, p.Ala134Thr (NM_001265587.2); short protein forms R102H, A134T.
Identifiers: ClinVar variation 14832 (VCV000014832.12), dbSNP rs121912556, ClinGen allele CA210732.